The following is an entry in ClinVar:

NM_006941.4(SOX10):c.72C>T (p.Ser24=)

Genes: POLR2F (RNA polymerase II, I and III subunit F; plus strand), SOX10 (SRY-box transcription factor 10; minus strand). Cytogenetic location: 22q13.1.
Variant type: single nucleotide variant.
Coding change: c.72C>T on transcript NM_006941.4 (MANE Select); coding-DNA position 72, C replaced by T.
Protein change: p.Ser24=; no amino-acid change (serine 24 retained).
Molecular consequence: synonymous variant. On other transcripts: intron variant (3).
Genome position (GRCh38, 1-based): chr22:37,983,713, G>A on the plus strand (C>T on the coding strand, the complement: SOX10 is on the minus strand). VCF-style: chr22-37983713-G-A. GRCh37 (hg19) VCF-style: chr22-38379720-G-A.
Other names: c.*38+11403G>A (NM_001363825.1); c.294-2441G>A (NM_001301130.2); c.293+16543G>A (NM_001301131.2).
Identifiers: ClinVar variation 505146 (VCV000505146.25), dbSNP rs763019569, ClinGen allele CA10228731.

ClinVar aggregate classification (germline): Conflicting classifications of pathogenicity. Review status: criteria provided, conflicting classifications (1 of 4 stars). 6 submissions from 6 submitters: Uncertain significance (1); Benign (1); Likely benign (3). 1 of the submissions does not count toward it. Last evaluated 2025-11-11.

Conditions:
SOX10-related disorder. Also called: SOX10-related condition.

Allele frequency attached by ClinVar (database versions not stated): 1000 Genomes Project 30x 0.00016; gnomAD exomes 0.00018 and 0.00007; gnomAD 0.00110; ExAC 0.00027; TOPMed 0.00127.
gnomAD v4.1: 265 of 1,501,208 alleles (0.018%); highest among the groups gnomAD compares: African/African-American, 0.34%; no homozygotes.

Submissions (6):

Labcorp Genetics (formerly Invitae), Labcorp
Classification: Benign. Last evaluated: 2025-11-11. Review status: criteria provided, single submitter. Criteria: Invitae Variant Classification Sherloc (09022015). Collection method: clinical testing. Allele origin: germline.

Blueprint Genetics
Classification: Likely benign. Last evaluated: 2023-12-14. Review status: criteria provided, single submitter. Criteria: ACMG Guidelines, 2015. Collection method: clinical testing. Allele origin: germline.

GeneDx
Classification: Likely benign. Last evaluated: 2021-07-29. Review status: criteria provided, single submitter. Criteria: GeneDx Variant Classification Process June 2021. Collection method: clinical testing. Allele origin: germline. Affected: yes.

Eurofins Ntd Llc (ga)
Classification: Uncertain significance. Last evaluated: 2017-09-19. Review status: criteria provided, single submitter. Criteria: EGL Classification Definitions 2015. Collection method: clinical testing. Allele origin: germline. Observed: 1 variant allele, 1 heterozygote.

Laboratory for Molecular Medicine, Mass General Brigham Personalized Medicine
Classification: Likely benign. Last evaluated: 2016-06-21. Review status: criteria provided, single submitter. Criteria: LMM Criteria. Collection method: clinical testing. Allele origin: germline. Observed: 1 variant allele.
Comment: p.Ser24Ser in exon 2 of SOX10: This variant is not expected to have clinical sig nificance because it does not alter an amino acid residue and is not located wit hin the splice consensus sequence. It has been identified in 2/454 African chrom osomes by the Exome Aggregation Consortium (ExAC ; dbSNP rs763019569).

PreventionGenetics, part of Exact Sciences
Classification: Likely benign for SOX10-related condition. Last evaluated: 2023-02-03. Review status: no assertion criteria provided. Collection method: clinical testing. Allele origin: germline. Not counted in ClinVar's aggregate classification.
Comment: This variant is classified as likely benign based on ACMG/AMP sequence variant interpretation guidelines (Richards et al. 2015 PMID: 25741868, with internal and published modifications).